The following is an entry in ClinVar:

ClinVar aggregate classification (germline): Pathogenic (1 of 4 stars; one submission).

Conditions:
Treacher Collins syndrome 1 (TCS1). Also called: TCOF1-Related Treacher Collins Syndrome. Identifiers: Orphanet 861, MedGen CN315775, MONDO:0007944, OMIM 154500.

Submission:

Labcorp Genetics (formerly Invitae), Labcorp
Classification: Pathogenic for Treacher Collins syndrome 1. Last evaluated: 2018-02-15. Review status: criteria provided, single submitter. Criteria: Invitae Variant Classification Sherloc (09022015). Collection method: clinical testing. Allele origin: germline.
Comment: Loss-of-function variants in TCOF1 are known to be pathogenic (PMID: 8894686, 22317976). This variant has not been reported in the literature in individuals with TCOF1-related disease. This variant is not present in population databases (ExAC no frequency). For these reasons, this variant has been classified as Pathogenic. This sequence change creates a premature translational stop signal (p.Gly460Alafs*25) in the TCOF1 gene. It is expected to result in an absent or disrupted protein product.

Literature cited by the submitters: PubMed 8894686; PubMed 22317976.

NM_001371623.1(TCOF1):c.1377_1378del (p.Gly460fs)

Gene: TCOF1 (treacle ribosome biogenesis factor 1; plus strand). Cytogenetic location: 5q32.
Variant type: Deletion.
Coding change: c.1377_1378del on transcript NM_001371623.1 (MANE Select); coding-DNA positions 1377 to 1378, 2 bases deleted (AG; older notation c.1377_1378delAG).
Protein change: p.Gly460fs; shifts the reading frame from glycine 460.
Molecular consequence: frameshift variant.
Genome position (GRCh38, 1-based): chr5:150,375,052-150,375,053, AG deleted. VCF-style (leftmost placement, unchanged base first): chr5-150375051-CAG-C. GRCh37 (hg19) VCF-style: chr5-149754614-CAG-C.
Other names: c.1377_1378delAG (NM_001135243.1); c.1146_1147del, p.Gly383fs (NM_000356.4, NM_001135245.2); c.1377_1378del, p.Gly460fs (NM_001008657.3, NM_001135243.2, NM_001135244.2 and 1 more transcripts); short protein forms G460fs, G383fs.
Identifiers: ClinVar variation 575668 (VCV000575668.7), dbSNP rs1562347303, ClinGen allele CA891842541.
Genomic context (GRCh38, chr5:150,375,051, plus strand): 5'-CCTCGGCCCCTGCCAAGGAGTCCCCCAGGAAAGGGGCTGCCCCAGCACCTCCTAGGAAAA[CAG>C]GGCCTGCAGCCGCCCAGGTCCAGGTGGGGAAGCAGGAGGAGGACTCAAGAAGCAGCAGCG-3'